The following is an entry in ClinVar:

NM_144643.4(SCLT1):c.1558A>C (p.Asn520His)

Gene: SCLT1 (sodium channel and clathrin linker 1; minus strand). Cytogenetic location: 4q28.2.
Variant type: single nucleotide variant.
Coding change: c.1558A>C on transcript NM_144643.4 (MANE Select); coding-DNA position 1558, A replaced by C.
Protein change: p.Asn520His; replaces asparagine 520 with histidine.
Molecular consequence: missense variant. On other transcripts: intron variant (1).
Genome position (GRCh38, 1-based): chr4:128,943,070, T>G on the plus strand (A>C on the coding strand, the complement: SCLT1 is on the minus strand). VCF-style: chr4-128943070-T-G. GRCh37 (hg19) VCF-style: chr4-129864225-T-G.
Other names: c.1439+2937A>C (NM_001410807.1); short protein forms N520H.
Identifiers: ClinVar variation 4995561 (VCV004995561.1).

ClinVar aggregate classification (germline): Uncertain significance (1 of 4 stars; one submission).

Conditions:
SCLT1-related disorder. Also called: SCLT1-related condition.

Submission:

PreventionGenetics, part of Exact Sciences
Classification: Uncertain significance for SCLT1-related condition. Last evaluated: 2025-12-08. Review status: criteria provided, single submitter. Criteria: ACMG Guidelines, 2015. Collection method: clinical testing. Allele origin: germline.
Comment: The SCLT1 c.1558A>C variant is predicted to result in the amino acid substitution p.Asn520His. To our knowledge, this variant has not been reported in the literature or in a large population database (gnomAD), indicating this variant is rare. At this time, the clinical significance of this variant is uncertain due to the absence of conclusive functional and genetic evidence.